The following is an entry in ClinVar:

ClinVar aggregate classification (germline): Uncertain significance (1 of 4 stars; one submission).

Allele frequency attached by ClinVar (database versions not stated): gnomAD exomes below 0.00001; TOPMed below 0.00001; gnomAD 0.00001; ESP Exome Variant Server 0.00008.
gnomAD v4.1: 2 of 1,608,504 alleles (0.00012%); highest among the groups gnomAD compares: African/African-American, 0.0013%; no homozygotes.

Submission:

Labcorp Genetics (formerly Invitae), Labcorp
Classification: Uncertain significance. Last evaluated: 2023-10-03. Review status: criteria provided, single submitter. Criteria: Invitae Variant Classification Sherloc (09022015). Collection method: clinical testing. Allele origin: germline.
Comment: This sequence change replaces arginine, which is basic and polar, with glutamine, which is neutral and polar, at codon 2903 of the TRRAP protein (p.Arg2903Gln). This variant is not present in population databases (gnomAD no frequency). This variant has not been reported in the literature in individuals affected with TRRAP-related conditions. ClinVar contains an entry for this variant (Variation ID: 2418253). Advanced modeling of protein sequence and biophysical properties (such as structural, functional, and spatial information, amino acid conservation, physicochemical variation, residue mobility, and thermodynamic stability) performed at Invitae indicates that this missense variant is not expected to disrupt TRRAP protein function. In summary, the available evidence is currently insufficient to determine the role of this variant in disease. Therefore, it has been classified as a Variant of Uncertain Significance.

NM_001375524.1(TRRAP):c.8783G>A (p.Arg2928Gln)

Gene: TRRAP (transformation/transcription domain associated protein; plus strand). Cytogenetic location: 7q22.1.
Variant type: single nucleotide variant.
Coding change: c.8783G>A on transcript NM_001375524.1 (MANE Select); coding-DNA position 8783, G replaced by A.
Protein change: p.Arg2928Gln; replaces arginine 2928 with glutamine.
Molecular consequence: missense variant.
Genome position (GRCh38, 1-based): chr7:98,981,917, G>A. VCF-style: chr7-98981917-G-A. GRCh37 (hg19) VCF-style: chr7-98579540-G-A.
Other names: c.8762G>A, p.Arg2921Gln (NM_001244580.2); c.8708G>A, p.Arg2903Gln (NM_003496.4); short protein forms R2903Q, R2921Q, R2928Q.
Identifiers: ClinVar variation 2418253 (VCV002418253.5), dbSNP rs368411932, ClinGen allele CA4361534.